The following is an entry in ClinVar:

ClinVar aggregate classification (germline): Conflicting classifications of pathogenicity. Review status: criteria provided, conflicting classifications (1 of 4 stars). 5 submissions from 5 submitters: Uncertain significance (2); Benign (1); Likely benign (2). Last evaluated 2026-02-27.

Conditions:
TTN-related disorder. Also called: TTN-related condition; TTN-related disease; TTN-related disorders.
Cardiovascular phenotype. Identifiers: MedGen CN230736.

Allele frequency attached by ClinVar (database versions not stated): gnomAD 0.00006; ESP Exome Variant Server 0.00008; gnomAD exomes 0.00008 and 0.00009; TOPMed 0.00009; ExAC 0.00014.
gnomAD v4.1: 127 of 1,613,768 alleles (0.0079%); highest among the groups gnomAD compares: Non-Finnish European, 0.01%; no homozygotes.

Submissions (5):

PreventionGenetics, part of Exact Sciences
Classification: Uncertain significance for TTN-related condition. Last evaluated: 2026-02-27. Review status: criteria provided, single submitter. Criteria: ACMG Guidelines, 2015. Collection method: clinical testing. Allele origin: germline.
Comment: The TTN c.13819A>G variant is predicted to result in the amino acid substitution p.Met4607Val. To our knowledge, this variant has not been reported in the literature. This variant is reported in 0.019% of alleles in individuals of European (Non-Finnish) descent in gnomAD. At this time, the clinical significance of this variant is uncertain due to the absence of conclusive functional and genetic evidence.

Athena Diagnostics
Classification: Uncertain significance. Last evaluated: 2025-08-08. Review status: criteria provided, single submitter. Criteria: Athena Diagnostics Criteria. Collection method: clinical testing. Allele origin: unknown.
Comment: Available data are insufficient to determine the clinical significance of the variant at this time. The frequency of this variant in the general population is higher than would generally be expected for pathogenic variants in this gene. Polyphen and MutationTaster predict this amino acid change may be benign.

Blueprint Genetics
Classification: Likely benign. Last evaluated: 2024-04-08. Review status: criteria provided, single submitter. Criteria: ACMG Guidelines, 2015. Collection method: clinical testing. Allele origin: germline.

GeneDx
Classification: Likely benign. Last evaluated: 2020-10-30. Review status: criteria provided, single submitter. Criteria: GeneDx Variant Classification Process June 2021. Collection method: clinical testing. Allele origin: germline. Affected: yes.

Ambry Genetics
Classification: Benign for Cardiovascular phenotype. Last evaluated: 2020-08-24. Review status: criteria provided, single submitter. Criteria: Ambry Variant Classification Scheme 2023. Collection method: clinical testing. Allele origin: germline.

NM_001267550.2(TTN):c.13819A>G (p.Met4607Val)

Gene: TTN (titin; minus strand). Cytogenetic location: 2q31.2.
Variant type: single nucleotide variant.
Coding change: c.13819A>G on transcript NM_001267550.2 (MANE Select); coding-DNA position 13819, A replaced by G.
Protein change: p.Met4607Val; replaces methionine 4607 with valine.
Molecular consequence: missense variant. On other transcripts: intron variant (1).
Genome position (GRCh38, 1-based): chr2:178,739,414, T>C on the plus strand (A>G on the coding strand, the complement: TTN is on the minus strand). VCF-style: chr2-178739414-T-C. GRCh37 (hg19) VCF-style: chr2-179604141-T-C.
Other names: p.M4290V:ATG>GTG; c.12868A>G, p.Met4290Val (NM_001256850.1); c.12730A>G, p.Met4244Val (NM_003319.4); c.13105A>G, p.Met4369Val (NM_133432.3); c.13306A>G, p.Met4436Val (NM_133437.4); c.10361-1054A>G (NM_133378.4); c.13819A>G (NM_001267550.1); short protein forms M4290V, M4607V, M4436V, M4244V, M4369V.
Identifiers: ClinVar variation 202533 (VCV000202533.9), dbSNP rs371275648, ClinGen allele CA309531.